The following is an entry in ClinVar:

NM_001083961.2(WDR62):c.1959-20A>G

Gene: WDR62 (WD repeat domain 62; plus strand). Cytogenetic location: 19q13.12.
Variant type: single nucleotide variant.
Coding change: c.1959-20A>G on transcript NM_001083961.2 (MANE Select); 20 bases into the intron before coding-DNA position 1959, A replaced by G.
Molecular consequence: intron variant.
Genome position (GRCh38, 1-based): chr19:36,090,425, A>G. VCF-style: chr19-36090425-A-G. GRCh37 (hg19) VCF-style: chr19-36581327-A-G.
Other names: c.1959-20A>G (NM_173636.5).
Identifiers: ClinVar variation 383813 (VCV000383813.11), dbSNP rs150830386, ClinGen allele CA9395798.

ClinVar aggregate classification (germline): Benign/Likely benign. Review status: criteria provided, multiple submitters, no conflicts (2 of 4 stars). 3 submissions from 3 submitters: Benign (2); Likely benign (1). Last evaluated 2026-01-10.

Conditions:
Microcephaly 2, primary, autosomal recessive, with or without cortical malformations. Also called: MICROCEPHALY 2, PRIMARY, AUTOSOMAL RECESSIVE, WITH CORTICAL MALFORMATIONS; WDR62 Primary Microcephaly. Identifiers: Orphanet 2512, MedGen C1858535, MONDO:0011435, OMIM 604317.

Allele frequency attached by ClinVar (database versions not stated): gnomAD exomes 0.00054 and 0.00172; ExAC 0.00218; gnomAD 0.00551 and 0.00582; TOPMed 0.00609; 1000 Genomes Project 0.00639; 1000 Genomes Project 30x 0.00656; ESP Exome Variant Server 0.00815.
gnomAD v4.1: 1,655 of 1,613,616 alleles (0.1%); highest among the groups gnomAD compares: African/African-American, 1.8%; 16 homozygotes.

Submissions (3):

Labcorp Genetics (formerly Invitae), Labcorp
Classification: Benign. Last evaluated: 2026-01-10. Review status: criteria provided, single submitter. Criteria: Invitae Variant Classification Sherloc (09022015). Collection method: clinical testing. Allele origin: germline.

Genome-Nilou Lab
Classification: Benign for Microcephaly 2, primary, autosomal recessive, with or without cortical malformations. Last evaluated: 2021-12-05. Review status: criteria provided, single submitter. Criteria: ACMG Guidelines, 2015. Collection method: clinical testing. Allele origin: germline. Affected: no.

GeneDx
Classification: Likely benign. Last evaluated: 2016-11-23. Review status: criteria provided, single submitter. Criteria: GeneDx Variant Classification (06012015). Collection method: clinical testing. Allele origin: germline. Affected: yes.
Comment: This variant is considered likely benign or benign based on one or more of the following criteria: it is a conservative change, it occurs at a poorly conserved position in the protein, it is predicted to be benign by multiple in silico algorithms, and/or has population frequency not consistent with disease.